The following is an entry in ClinVar:

NM_005336.6(HDLBP):c.3250G>A (p.Val1084Met)

Genes: ANO7 (anoctamin 7; plus strand), HDLBP (high density lipoprotein binding protein; minus strand). Cytogenetic location: 2q37.3.
Variant type: single nucleotide variant.
Coding change: c.3250G>A on transcript NM_005336.6 (MANE Select); coding-DNA position 3250, G replaced by A.
Protein change: p.Val1084Met; replaces valine 1084 with methionine.
Molecular consequence: missense variant.
Genome position (GRCh38, 1-based): chr2:241,233,858, C>T on the plus strand (G>A on the coding strand, the complement: HDLBP is on the minus strand). VCF-style: chr2-241233858-C-T. GRCh37 (hg19) VCF-style: chr2-242173273-C-T.
Other names: c.3151G>A, p.Val1051Met (NM_001243900.3); c.3250G>A, p.Val1084Met (NM_001320965.3, NM_001320966.3, NM_001320967.3 and 1 more transcripts); short protein forms V1051M, V1084M.
Identifiers: ClinVar variation 2630847 (VCV002630847.1), dbSNP rs2532608171, ClinGen allele CA351350535.

ClinVar aggregate classification (germline): Uncertain significance (1 of 4 stars; one submission).

Conditions:
HDLBP-related disorder. Also called: HDLBP-related condition.

Submission:

PreventionGenetics, part of Exact Sciences
Classification: Uncertain significance for HDLBP-related condition. Last evaluated: 2023-10-02. Review status: criteria provided, single submitter. Criteria: ACMG Guidelines, 2015. Collection method: clinical testing. Allele origin: germline.
Comment: The HDLBP c.3250G>A variant is predicted to result in the amino acid substitution p.Val1084Met. To our knowledge, this variant has not been reported in the literature or in a large population database, indicating this variant is rare. At this time, the clinical significance of this variant is uncertain due to the absence of conclusive functional and genetic evidence.